The following is an entry in ClinVar:

ClinVar aggregate classification (germline): Uncertain significance. Review status: criteria provided, multiple submitters, no conflicts (2 of 4 stars). 2 submissions from 2 submitters: Uncertain significance (2). Last evaluated 2024-12-09.

Allele frequency attached by ClinVar (database versions not stated): TOPMed 0.00004; ExAC 0.00007; gnomAD 0.00009; gnomAD exomes 0.00009; 1000 Genomes Project 30x 0.00016; 1000 Genomes Project 0.00020.
gnomAD v4.1: 137 of 1,614,196 alleles (0.0085%); highest among the groups gnomAD compares: Middle Eastern, 0.033%; no homozygotes.

Submissions (2):

Ambry Genetics
Classification: Uncertain significance. Last evaluated: 2024-12-09. Review status: criteria provided, single submitter. Criteria: Ambry Variant Classification Scheme 2023. Collection method: clinical testing. Allele origin: germline.

Labcorp Genetics (formerly Invitae), Labcorp
Classification: Uncertain significance. Last evaluated: 2022-03-21. Review status: criteria provided, single submitter. Criteria: Invitae Variant Classification Sherloc (09022015). Collection method: clinical testing. Allele origin: germline.
Comment: This sequence change replaces glycine, which is neutral and non-polar, with serine, which is neutral and polar, at codon 97 of the WNT2B protein (p.Gly97Ser). This variant is present in population databases (rs201662450, gnomAD 0.02%). This variant has not been reported in the literature in individuals affected with WNT2B-related conditions. Algorithms developed to predict the effect of missense changes on protein structure and function are either unavailable or do not agree on the potential impact of this missense change (SIFT: "Deleterious"; PolyPhen-2: "Benign"; Align-GVGD: "Class C55"). In summary, the available evidence is currently insufficient to determine the role of this variant in disease. Therefore, it has been classified as a Variant of Uncertain Significance.

NM_024494.3(WNT2B):c.289G>A (p.Gly97Ser)

Gene: WNT2B (Wnt family member 2B; plus strand). Cytogenetic location: 1p13.2.
Variant type: single nucleotide variant.
Coding change: c.289G>A on transcript NM_024494.3 (MANE Select); coding-DNA position 289, G replaced by A.
Protein change: p.Gly97Ser; replaces glycine 97 with serine.
Molecular consequence: missense variant.
Genome position (GRCh38, 1-based): chr1:112,514,980, G>A. VCF-style: chr1-112514980-G-A. GRCh37 (hg19) VCF-style: chr1-113057602-G-A.
Other names: c.13G>A, p.Gly5Ser (NM_001291880.1); c.232G>A, p.Gly78Ser (NM_004185.4); c.289G>A (NM_024494.2); short protein forms G78S, G97S, G5S.
Identifiers: ClinVar variation 2163807 (VCV002163807.2), dbSNP rs201662450, ClinGen allele CA1008233.
Genomic context (GRCh38, chr1:112,514,980, plus strand): 5'-GGTTTGGTGAGCCGGCAGCGGCAGCTGTGCCAGCGTTACCCAGACATCATGCGTTCAGTG[G>A]GCGAGGGTGCCCGAGAATGGATCCGAGAGTGTCAGCACCAATTCCGCCACCACCGCTGGA-3'
Protein context (NP_078613.1, residues 87-107): QRYPDIMRSV[Gly97Ser]EGAREWIREC